The following is an entry in ClinVar:

NM_017654.4(SAMD9):c.590T>G (p.Phe197Cys)

Gene: SAMD9 (sterile alpha motif domain containing 9; minus strand). Cytogenetic location: 7q21.2.
Variant type: single nucleotide variant.
Coding change: c.590T>G on transcript NM_017654.4 (MANE Select); coding-DNA position 590, T replaced by G.
Protein change: p.Phe197Cys; replaces phenylalanine 197 with cysteine.
Molecular consequence: missense variant.
Genome position (GRCh38, 1-based): chr7:93,105,508, A>C on the plus strand (T>G on the coding strand, the complement: SAMD9 is on the minus strand). VCF-style: chr7-93105508-A-C. GRCh37 (hg19) VCF-style: chr7-92734821-A-C.
Other names: c.590T>G, p.Phe197Cys (NM_001193307.2); short protein forms F197C.
Identifiers: ClinVar variation 3364680 (VCV003364680.1).
Genomic context (GRCh38, chr7:93,105,508, plus strand): 5'-TTGCTAAATTTCATCTTGACATCCTCTTCTGTGGCTGTTGCTGTATTTGTGAAGGCTTTG[A>C]ATTCATGTATCGGATCAATGAGATTGCCTGGTCCTGTTTCAGGCTGTAGACTAAAATCCA-3'
Protein context (NP_060124.2, residues 187-207): PGNLIDPIHE[Phe197Cys]KAFTNTATAT

ClinVar aggregate classification (germline): Uncertain significance (1 of 4 stars; one submission).

Submission:

GeneDx
Classification: Uncertain significance. Last evaluated: 2023-11-29. Review status: criteria provided, single submitter. Criteria: GeneDx Variant Classification Process June 2021. Collection method: clinical testing. Allele origin: germline. Affected: yes.
Comment: Not observed at significant frequency in large population cohorts (gnomAD); In silico analysis supports that this missense variant has a deleterious effect on protein structure/function; Has not been previously published as pathogenic or benign to our knowledge; This variant is associated with the following publications: (PMID: 28545555)